The following is an entry in ClinVar:

NM_004432.5(ELAVL2):c.980A>T (p.Tyr327Phe)

Gene: ELAVL2 (ELAV like RNA binding protein 2; minus strand). Cytogenetic location: 9p21.3.
Variant type: single nucleotide variant.
Coding change: c.980A>T on transcript NM_004432.5 (MANE Select); coding-DNA position 980, A replaced by T.
Protein change: p.Tyr327Phe; replaces tyrosine 327 with phenylalanine.
Molecular consequence: missense variant.
Genome position (GRCh38, 1-based): chr9:23,692,657, T>A on the plus strand (A>T on the coding strand, the complement: ELAVL2 is on the minus strand). VCF-style: chr9-23692657-T-A. GRCh37 (hg19) VCF-style: chr9-23692655-T-A.
Other names: c.941A>T, p.Tyr314Phe (NM_001171195.2, NM_001171197.2, NM_001351477.2 and 2 more transcripts); c.1070A>T, p.Tyr357Phe (NM_001351455.2, NM_001385697.1, NM_001385698.1 and 1 more transcripts); c.1067A>T, p.Tyr356Phe (NM_001351456.2, NM_001351457.2, NM_001351458.2 and 6 more transcripts); c.1064A>T, p.Tyr355Phe (NM_001351462.2, NM_001351463.2); c.980A>T, p.Tyr327Phe (NM_001351474.2, NM_001351475.2, NM_001351476.2 and 3 more transcripts); c.986A>T, p.Tyr329Phe (NM_001385694.1); c.1031A>T, p.Tyr344Phe (NM_001385695.1); c.1025A>T, p.Tyr342Phe (NM_001385696.1); and 3 more; short protein forms Y314F, Y327F, Y328F, Y329F, Y341F, Y342F, Y343F, Y344F.
Identifiers: ClinVar variation 4888176 (VCV004888176.1).
Genomic context (GRCh38, chr9:23,692,657, plus strand): 5'-AGTACTCTGTCTCCCAGACGGTATCCATTGAGGCTAGCTATCGCCATGGCAGCCTCATCA[T>A]AGTTTGTCATAGTCACAAATCCAAAACCTTTGCATTTATTGGTGTTAAAGTCACGGATGA-3'
Protein context (NP_004423.2, residues 317-337): KGFGFVTMTN[Tyr327Phe]DEAAMAIASL

ClinVar aggregate classification (germline): Uncertain significance (1 of 4 stars; one submission).

Submission:

GeneDx
Classification: Uncertain significance. Last evaluated: 2026-01-22. Review status: criteria provided, single submitter. Criteria: GeneDx Variant Classification Process June 2021. Collection method: clinical testing. Allele origin: germline.
Comment: Not observed at significant frequency in large population cohorts (gnomAD); In silico analysis supports that this missense variant has a deleterious effect on protein structure/function; Has not been previously published as pathogenic or benign to our knowledge; Variants in candidate genes are classified as variants of uncertain significance in accordance with ACMG guidelines (PMID: 25741868)